The following is an entry in ClinVar:

NM_000059.4(BRCA2):c.1579C>G (p.Pro527Ala)

Gene: BRCA2 (BRCA2 DNA repair associated; plus strand). Cytogenetic location: 13q13.1.
Variant type: single nucleotide variant.
Coding change: c.1579C>G on transcript NM_000059.4 (MANE Select); coding-DNA position 1579, C replaced by G.
Protein change: p.Pro527Ala; replaces proline 527 with alanine.
Molecular consequence: missense variant.
Genome position (GRCh38, 1-based): chr13:32,333,057, C>G. VCF-style: chr13-32333057-C-G. GRCh37 (hg19) VCF-style: chr13-32907194-C-G.
Other names: c.1579C>G, p.Pro527Ala (NM_001406719.1, NM_001406720.1, NM_001406721.1); short protein forms P527A.
Identifiers: ClinVar variation 1775635 (VCV001775635.4), dbSNP rs758025325, ClinGen allele CA387764759.

ClinVar aggregate classification (germline): Conflicting classifications of pathogenicity. Review status: criteria provided, conflicting classifications (1 of 4 stars). 2 submissions from 2 submitters: Uncertain significance (1); Likely benign (1). Last evaluated 2023-03-23.

Conditions:
Hereditary cancer-predisposing syndrome. Also called: Neoplastic Syndromes, Hereditary; Tumor predisposition; Hereditary Cancer Syndrome; Hereditary neoplastic syndrome. Identifiers: Orphanet 140162, MedGen C0027672, MeSH D009386, MONDO:0015356.

Submissions (2):

University of Washington Department of Laboratory Medicine, University of Washington
Classification: Likely benign for Hereditary cancer-predisposing syndrome. Last evaluated: 2023-03-23. Review status: criteria provided, single submitter. Criteria: Dines et al. (Genet Med. 2020). Collection method: curation. Allele origin: germline.
Comment: Missense variant in a coldspot region where missense variants are very unlikely to be pathogenic (PMID:31911673).

BRCA2 exon 10 coldspot. Reclassification based on statistical prior probability.

Ambry Genetics
Classification: Uncertain significance for Hereditary cancer-predisposing syndrome. Last evaluated: 2020-06-09. Review status: criteria provided, single submitter. Criteria: Ambry Variant Classification Scheme 2023. Collection method: clinical testing. Allele origin: germline.
Comment: The p.P527A variant (also known as c.1579C>G), located in coding exon 9 of the BRCA2 gene, results from a C to G substitution at nucleotide position 1579. The proline at codon 527 is replaced by alanine, an amino acid with highly similar properties. This amino acid position is poorly conserved in available vertebrate species. In addition, this alteration is predicted to be tolerated by in silico analysis. Since supporting evidence is limited at this time, the clinical significance of this alteration remains unclear.